The following is an entry in ClinVar:

ClinVar aggregate classification (germline): Uncertain significance (1 of 4 stars; one submission).

Submission:

GeneDx
Classification: Uncertain significance. Last evaluated: 2026-04-08. Review status: criteria provided, single submitter. Criteria: GeneDx Variant Classification Process June 2021. Collection method: clinical testing. Allele origin: germline.
Comment: Not observed at significant frequency in large population cohorts (gnomAD); In silico analysis supports that this missense variant has a deleterious effect on protein structure/function; Has not been previously published as pathogenic or benign to our knowledge

NM_002805.6(PSMC5):c.251A>G (p.Lys84Arg)

Gene: PSMC5 (proteasome 26S subunit, ATPase 5; plus strand). Cytogenetic location: 17q23.3.
Variant type: single nucleotide variant.
Coding change: c.251A>G on transcript NM_002805.6 (MANE Select); coding-DNA position 251, A replaced by G.
Protein change: p.Lys84Arg; replaces lysine 84 with arginine.
Molecular consequence: missense variant.
Genome position (GRCh38, 1-based): chr17:63,829,936, A>G. VCF-style: chr17-63829936-A-G. GRCh37 (hg19) VCF-style: chr17-61907296-A-G.
Other names: c.227A>G, p.Lys76Arg (NM_001199163.2); short protein forms K76R, K84R.
Identifiers: ClinVar variation 5018342 (VCV005018342.1).